The following is an entry in ClinVar:

NM_006231.4(POLE):c.164A>T (p.Glu55Val)

Gene: POLE (DNA polymerase epsilon, catalytic subunit; minus strand). Cytogenetic location: 12q24.33.
Variant type: single nucleotide variant.
Coding change: c.164A>T on transcript NM_006231.4 (MANE Select); coding-DNA position 164, A replaced by T.
Protein change: p.Glu55Val; replaces glutamic acid 55 with valine.
Molecular consequence: missense variant.
Genome position (GRCh38, 1-based): chr12:132,681,178, T>A on the plus strand (A>T on the coding strand, the complement: POLE is on the minus strand). VCF-style: chr12-132681178-T-A. GRCh37 (hg19) VCF-style: chr12-133257764-T-A.
Other names: short protein forms E55V.
Identifiers: ClinVar variation 1777218 (VCV001777218.2), dbSNP rs2043158943, ClinGen allele CA387369870.
Genomic context (GRCh38, chr12:132,681,178, plus strand): 5'-GAGAAGGACCTAGTGCTTACAGGATGCATGTTAATGAGCCAGCCTGTCTTCTCACCAGGC[T>A]CCTTCAGCCGCTCAAAACCAAACCGCAAATCCATCTTATCCGTCCACTGACTCCGTTCCA-3'
Protein context (NP_006222.2, residues 45-65): DLRFGFERLK[Glu55Val]PGEKTGWLIN

ClinVar aggregate classification (germline): Uncertain significance (1 of 4 stars; one submission).

Conditions:
Hereditary cancer-predisposing syndrome. Also called: Neoplastic Syndromes, Hereditary; Tumor predisposition; Hereditary Cancer Syndrome; Hereditary neoplastic syndrome. Identifiers: Orphanet 140162, MedGen C0027672, MeSH D009386, MONDO:0015356.

Submission:

Ambry Genetics
Classification: Uncertain significance for Hereditary cancer-predisposing syndrome. Last evaluated: 2021-07-15. Review status: criteria provided, single submitter. Criteria: Ambry Variant Classification Scheme 2023. Collection method: clinical testing. Allele origin: germline.
Comment: The p.E55V variant (also known as c.164A>T), located in coding exon 2 of the POLE gene, results from an A to T substitution at nucleotide position 164. The glutamic acid at codon 55 is replaced by valine, an amino acid with dissimilar properties. This amino acid position is conserved. In addition, the in silico prediction for this alteration is inconclusive. Since supporting evidence is limited at this time, the clinical significance of this alteration remains unclear.